The following is an entry in ClinVar:

NM_000535.7(PMS2):c.1958G>C (p.Cys653Ser)

Gene: PMS2 (PMS1 homolog 2, mismatch repair system component; minus strand). Cytogenetic location: 7p22.1.
Variant type: single nucleotide variant.
Coding change: c.1958G>C on transcript NM_000535.7 (MANE Select); coding-DNA position 1958, G replaced by C.
Protein change: p.Cys653Ser; replaces cysteine 653 with serine.
Molecular consequence: missense variant. On other transcripts: non-coding transcript variant (1).
Genome position (GRCh38, 1-based): chr7:5,986,807, C>G on the plus strand (G>C on the coding strand, the complement: PMS2 is on the minus strand). VCF-style: chr7-5986807-C-G. GRCh37 (hg19) VCF-style: chr7-6026438-C-G.
Other names: c.1553G>C, p.Cys518Ser (NM_001322003.2, NM_001322004.2, NM_001322005.2 and 1 more transcripts); c.1802G>C, p.Cys601Ser (NM_001322006.2); c.1640G>C, p.Cys547Ser (NM_001322007.2, NM_001322008.2); c.1397G>C, p.Cys466Ser (NM_001322010.2); c.1025G>C, p.Cys342Ser (NM_001322011.2, NM_001322012.2); c.1385G>C, p.Cys462Ser (NM_001322013.2); c.1958G>C, p.Cys653Ser (NM_001322014.2); c.1649G>C, p.Cys550Ser (NM_001322015.2); short protein forms C547S, C342S, C601S, C653S, C462S, C466S, C550S, C518S.
Identifiers: ClinVar variation 837057 (VCV000837057.10), dbSNP rs1782927665, ClinGen allele CA366739079.

ClinVar aggregate classification (germline): Uncertain significance. Review status: criteria provided, multiple submitters, no conflicts (2 of 4 stars). 2 submissions from 2 submitters: Uncertain significance (2). Last evaluated 2026-07-20.

Conditions:
Hereditary nonpolyposis colorectal neoplasms. Identifiers: MedGen C0009405, MeSH D003123.
Hereditary cancer-predisposing syndrome. Also called: Tumor predisposition; Hereditary neoplastic syndrome; Neoplastic Syndromes, Hereditary; Hereditary Cancer Syndrome. Identifiers: Orphanet 140162, MedGen C0027672, MeSH D009386, MONDO:0015356.

Submissions (2):

Ambry Genetics
Classification: Uncertain significance for Hereditary cancer-predisposing syndrome. Last evaluated: 2026-07-20. Review status: criteria provided, single submitter. Criteria: Ambry Variant Classification Scheme 2023. Collection method: clinical testing. Allele origin: germline.
Comment: The p.C653S variant (also known as c.1958G>C), located in coding exon 11 of the PMS2 gene, results from a G to C substitution at nucleotide position 1958. The cysteine at codon 653 is replaced by serine, an amino acid with dissimilar properties. This amino acid position is conserved. In addition, this alteration is predicted to be tolerated by in silico analysis. Based on the available evidence, the clinical significance of this variant remains unclear.

Labcorp Genetics (formerly Invitae), Labcorp
Classification: Uncertain significance for Hereditary nonpolyposis colorectal neoplasms. Last evaluated: 2024-03-06. Review status: criteria provided, single submitter. Criteria: Invitae Variant Classification Sherloc (09022015). Collection method: clinical testing. Allele origin: germline.
Comment: This sequence change replaces cysteine, which is neutral and slightly polar, with serine, which is neutral and polar, at codon 653 of the PMS2 protein (p.Cys653Ser). This variant is not present in population databases (gnomAD no frequency). This variant has not been reported in the literature in individuals affected with PMS2-related conditions. ClinVar contains an entry for this variant (Variation ID: 837057). Advanced modeling of protein sequence and biophysical properties (such as structural, functional, and spatial information, amino acid conservation, physicochemical variation, residue mobility, and thermodynamic stability) performed at Invitae indicates that this missense variant is not expected to disrupt PMS2 protein function with a negative predictive value of 80%. In summary, the available evidence is currently insufficient to determine the role of this variant in disease. Therefore, it has been classified as a Variant of Uncertain Significance.